The following is an entry in ClinVar:

NM_032043.3(BRIP1):c.2297G>A (p.Ser766Asn)

Gene: BRIP1 (BRCA1 interacting DNA helicase 1; minus strand). Cytogenetic location: 17q23.2.
Variant type: single nucleotide variant.
Coding change: c.2297G>A on transcript NM_032043.3 (MANE Select); coding-DNA position 2297, G replaced by A.
Protein change: p.Ser766Asn; replaces serine 766 with asparagine.
Molecular consequence: missense variant.
Genome position (GRCh38, 1-based): chr17:61,743,095, C>T on the plus strand (G>A on the coding strand, the complement: BRIP1 is on the minus strand). VCF-style: chr17-61743095-C-T. GRCh37 (hg19) VCF-style: chr17-59820456-C-T.
Other names: c.2297G>A (NM_032043.2); short protein forms S766N.
Identifiers: ClinVar variation 1372953 (VCV001372953.8), dbSNP rs2144678538, ClinGen allele CA400482692.
Genomic context (GRCh38, chr17:61,743,095, plus strand): 5'-AAAGGAATTCCTATTGTTATGACAGCACGGGCATTGTCATCTGAGAAATCCAGACCCTCA[C>T]TCACTTTACCACGACAAACTGCTACCAGGAGAGCTCCATCTTAAACAACAGAAAAAAGCA-3'
Protein context (NP_114432.2, residues 756-776): LLVAVCRGKV[Ser766Asn]EGLDFSDDNA

ClinVar aggregate classification (germline): Uncertain significance. Review status: criteria provided, multiple submitters, no conflicts (2 of 4 stars). 2 submissions from 2 submitters: Uncertain significance (2). Last evaluated 2026-07-02.

Conditions:
Hereditary cancer-predisposing syndrome. Also called: Hereditary Cancer Syndrome; Neoplastic Syndromes, Hereditary; Hereditary neoplastic syndrome; Tumor predisposition. Identifiers: Orphanet 140162, MedGen C0027672, MeSH D009386, MONDO:0015356.
Familial cancer of breast. Also called: hereditary breast carcinoma; Hereditary breast cancer; BREAST CANCER, FAMILIAL. Identifiers: Orphanet 227535, MedGen C0346153, MONDO:0016419, OMIM 114480. Disease mechanism: loss of function.
Fanconi anemia complementation group J. Also called: BRIP1-Related Fanconi Anemia. Identifiers: Orphanet 84, MedGen C1836860, MONDO:0012187, OMIM 609054.

Allele frequency attached by ClinVar (database versions not stated): gnomAD exomes below 0.00001.
gnomAD v4.1: 1 of 1,613,972 alleles (0.000062%); highest among the groups gnomAD compares: Non-Finnish European, 0.000085%; no homozygotes.

Submissions (2):

Ambry Genetics
Classification: Uncertain significance for Hereditary cancer-predisposing syndrome. Last evaluated: 2026-07-02. Review status: criteria provided, single submitter. Criteria: Ambry Variant Classification Scheme 2023. Collection method: clinical testing. Allele origin: germline.
Comment: The p.S766N variant (also known as c.2297G>A), located in coding exon 15 of the BRIP1 gene, results from a G to A substitution at nucleotide position 2297. The serine at codon 766 is replaced by asparagine, an amino acid with highly similar properties. This amino acid position is conserved. In addition, the in silico prediction for this alteration is inconclusive. Based on the available evidence, the clinical significance of this variant remains unclear.

Labcorp Genetics (formerly Invitae), Labcorp
Classification: Uncertain significance for Familial cancer of breast; Fanconi anemia complementation group J. Last evaluated: 2021-08-06. Review status: criteria provided, single submitter. Criteria: Invitae Variant Classification Sherloc (09022015). Collection method: clinical testing. Allele origin: germline.
Comment: Algorithms developed to predict the effect of missense changes on protein structure and function (SIFT, PolyPhen-2, Align-GVGD) all suggest that this variant is likely to be disruptive. In summary, the available evidence is currently insufficient to determine the role of this variant in disease. Therefore, it has been classified as a Variant of Uncertain Significance. This sequence change replaces serine with asparagine at codon 766 of the BRIP1 protein (p.Ser766Asn). The serine residue is highly conserved and there is a small physicochemical difference between serine and asparagine. This variant is not present in population databases (ExAC no frequency). This variant has not been reported in the literature in individuals affected with BRIP1-related conditions.